The following is an entry in ClinVar:

ClinVar aggregate classification (germline): Uncertain significance (1 of 4 stars; one submission).

Conditions:
Cardiovascular phenotype. Identifiers: MedGen CN230736.

gnomAD v4.1: 1 of 1,614,128 alleles (0.000062%); highest among the groups gnomAD compares: Non-Finnish European, 0.000085%; no homozygotes.

Submission:

Ambry Genetics
Classification: Uncertain significance for Cardiovascular phenotype. Last evaluated: 2026-07-21. Review status: criteria provided, single submitter. Criteria: Ambry Variant Classification Scheme 2023. Collection method: clinical testing. Allele origin: germline.
Comment: The p.R624K variant (also known as c.1871G>A), located in coding exon 9 of the MYPN gene, results from a G to A substitution at nucleotide position 1871. The arginine at codon 624 is replaced by lysine, an amino acid with highly similar properties. This amino acid position is conserved. In addition, this alteration is predicted to be tolerated by in silico analysis. Based on the available evidence, the clinical significance of this variant remains unclear.

NM_032578.4(MYPN):c.1871G>A (p.Arg624Lys)

Gene: MYPN (myopalladin; plus strand). Cytogenetic location: 10q21.3.
Variant type: single nucleotide variant.
Coding change: c.1871G>A on transcript NM_032578.4 (MANE Select); coding-DNA position 1871, G replaced by A.
Protein change: p.Arg624Lys; replaces arginine 624 with lysine.
Molecular consequence: missense variant. On other transcripts: non-coding transcript variant (2).
Genome position (GRCh38, 1-based): chr10:68,166,564, G>A. VCF-style: chr10-68166564-G-A. GRCh37 (hg19) VCF-style: chr10-69926321-G-A.
Other names: c.1871G>A, p.Arg624Lys (NM_001256267.2); c.989G>A, p.Arg330Lys (NM_001256268.2); short protein forms R624K, R330K.
Identifiers: ClinVar variation 5025301 (VCV005025301.1).